The following is an entry in ClinVar:

ClinVar aggregate classification (germline): Uncertain significance. Review status: criteria provided, multiple submitters, no conflicts (2 of 4 stars). 2 submissions from 2 submitters: Uncertain significance (2). Last evaluated 2022-05-24.

Conditions:
Hereditary cancer-predisposing syndrome. Also called: Tumor predisposition; Neoplastic Syndromes, Hereditary; Hereditary Cancer Syndrome; Hereditary neoplastic syndrome. Identifiers: Orphanet 140162, MedGen C0027672, MeSH D009386, MONDO:0015356.
DICER1-related tumor predisposition. Also called: DICER1 syndrome; DICER1-related pleuropulmonary blastoma cancer predisposition syndrome. Identifiers: Orphanet 284343, MedGen C3839822, MONDO:0100216.

Submissions (2):

Ambry Genetics
Classification: Uncertain significance for Hereditary cancer-predisposing syndrome. Last evaluated: 2022-05-24. Review status: criteria provided, single submitter. Criteria: Ambry Variant Classification Scheme 2023. Collection method: clinical testing. Allele origin: germline.
Comment: The p.A1623S variant (also known as c.4867G>T), located in coding exon 22 of the DICER1 gene, results from a G to T substitution at nucleotide position 4867. The alanine at codon 1623 is replaced by serine, an amino acid with similar properties. This amino acid position is conserved. In addition, this alteration is predicted to be tolerated by in silico analysis. Since supporting evidence is limited at this time, the clinical significance of this alteration remains unclear.

Labcorp Genetics (formerly Invitae), Labcorp
Classification: Uncertain significance for DICER1-related tumor predisposition. Last evaluated: 2020-05-05. Review status: criteria provided, single submitter. Criteria: Invitae Variant Classification Sherloc (09022015). Collection method: clinical testing. Allele origin: germline.
Comment: This sequence change replaces alanine with serine at codon 1623 of the DICER1 protein (p.Ala1623Ser). The alanine residue is weakly conserved and there is a moderate physicochemical difference between alanine and serine. This variant is not present in population databases (ExAC no frequency). In summary, the available evidence is currently insufficient to determine the role of this variant in disease. Therefore, it has been classified as a Variant of Uncertain Significance. Algorithms developed to predict the effect of missense changes on protein structure and function output the following: SIFT: "Tolerated"; PolyPhen-2: "Benign"; Align-GVGD: "Class C0". The serine amino acid residue is found in multiple mammalian species, suggesting that this missense change does not adversely affect protein function. These predictions have not been confirmed by published functional studies and their clinical significance is uncertain. This variant has not been reported in the literature in individuals with DICER1-related conditions.

NM_177438.3(DICER1):c.4867G>T (p.Ala1623Ser)

Gene: DICER1 (dicer 1, ribonuclease III; minus strand). Cytogenetic location: 14q32.13.
Variant type: single nucleotide variant.
Coding change: c.4867G>T on transcript NM_177438.3 (MANE Select); coding-DNA position 4867, G replaced by T.
Protein change: p.Ala1623Ser; replaces alanine 1623 with serine.
Molecular consequence: missense variant.
Genome position (GRCh38, 1-based): chr14:95,096,053, C>A on the plus strand (G>T on the coding strand, the complement: DICER1 is on the minus strand). VCF-style: chr14-95096053-C-A. GRCh37 (hg19) VCF-style: chr14-95562390-C-A.
Other names: c.4867G>T, p.Ala1623Ser (NM_001291628.2, NM_030621.4, NM_001195573.1 and 1 more transcripts); short protein forms A1623S.
Identifiers: ClinVar variation 1059199 (VCV001059199.12), dbSNP rs2139841630, ClinGen allele CA390866619.